The following is an entry in ClinVar:

NM_001170629.2(CHD8):c.6344A>G (p.Tyr2115Cys)

Gene: CHD8 (chromodomain helicase DNA binding protein 8; minus strand). Cytogenetic location: 14q11.2.
Variant type: single nucleotide variant.
Coding change: c.6344A>G on transcript NM_001170629.2 (MANE Select); coding-DNA position 6344, A replaced by G.
Protein change: p.Tyr2115Cys; replaces tyrosine 2115 with cysteine.
Molecular consequence: missense variant.
Genome position (GRCh38, 1-based): chr14:21,393,230, T>C on the plus strand (A>G on the coding strand, the complement: CHD8 is on the minus strand). VCF-style: chr14-21393230-T-C. GRCh37 (hg19) VCF-style: chr14-21861389-T-C.
Other names: c.5507A>G, p.Tyr1836Cys (NM_020920.4); short protein forms Y1836C, Y2115C.
Identifiers: ClinVar variation 1196520 (VCV001196520.10), dbSNP rs201035068, ClinGen allele CA7090792.
Genomic context (GRCh38, chr14:21,393,230, plus strand): 5'-CCATCTTCATTTGGGAATCCATCTTGGGACATAGTGAGGGACAGGAGACTCTCTTCATCA[T>C]AGAGCTTTGAGCGGGACTGGTCAGCTGGTAAGAGAGCCCATAGAATGTGTGAGAAAAGAT-3'
Protein context (NP_001164100.1, residues 2105-2125): KLTDQSRSKL[Tyr2115Cys]DEESLLSLTM

ClinVar aggregate classification (germline): Conflicting classifications of pathogenicity. Review status: criteria provided, conflicting classifications (1 of 4 stars). 3 submissions from 3 submitters: Uncertain significance (2); Likely benign (1). Last evaluated 2025-03-10.

Conditions:
Inborn genetic diseases. Identifiers: MedGen C0950123, MeSH D030342.

Allele frequency attached by ClinVar (database versions not stated): gnomAD exomes 0.00002 and 0.00003; gnomAD 0.00003; TOPMed 0.00002; ExAC 0.00002.
gnomAD v4.1: 50 of 1,613,854 alleles (0.0031%); highest among the groups gnomAD compares: Non-Finnish European, 0.0042%; no homozygotes.

Submissions (3):

Labcorp Genetics (formerly Invitae), Labcorp
Classification: Likely benign. Last evaluated: 2025-03-10. Review status: criteria provided, single submitter. Criteria: Invitae Variant Classification Sherloc (09022015). Collection method: clinical testing. Allele origin: germline.

GeneDx
Classification: Uncertain significance. Last evaluated: 2022-09-08. Review status: criteria provided, single submitter. Criteria: GeneDx Variant Classification Process June 2021. Collection method: clinical testing. Allele origin: germline. Affected: yes.
Comment: In silico analysis supports that this missense variant has a deleterious effect on protein structure/function; Has not been previously published as pathogenic or benign to our knowledge

Ambry Genetics
Classification: Uncertain significance for Inborn genetic diseases. Last evaluated: 2021-10-13. Review status: criteria provided, single submitter. Criteria: Ambry Variant Classification Scheme 2023. Collection method: clinical testing. Allele origin: germline.